The following is an entry in ClinVar:

NM_000268.4(NF2):c.*1792G>A

Gene: NF2 (NF2, moesin-ezrin-radixin like (MERLIN) tumor suppressor; plus strand). Cytogenetic location: 22q12.2.
Variant type: single nucleotide variant.
Coding change: c.*1792G>A on transcript NM_000268.4 (MANE Select); 1792 bases downstream of the stop codon, G replaced by A.
Molecular consequence: 3 prime UTR variant. On other transcripts: non-coding transcript variant (1).
Genome position (GRCh38, 1-based): chr22:29,696,594, G>A. VCF-style: chr22-29696594-G-A. GRCh37 (hg19) VCF-style: chr22-30092583-G-A.
Other names: c.*1852G>A (NM_016418.5, NM_181828.3, NM_181829.3 and 1 more transcripts); c.*1867G>A (NM_181832.3); c.*1792G>A (NM_181833.3).
Identifiers: ClinVar variation 341121 (VCV000341121.6), dbSNP rs17462054, ClinGen allele CA10653312.

ClinVar aggregate classification (germline): Benign. Review status: criteria provided, multiple submitters, no conflicts (2 of 4 stars). 2 submissions from 2 submitters: Benign (2). Last evaluated 2018-01-12.

Conditions:
Neurofibromatosis, type 2 (SWNV). Also called: SCHWANNOMATOSIS, VESTIBULAR; BILATERAL ACOUSTIC NEUROFIBROMATOSIS; NF2-Related Schwannomatosis. Identifiers: Orphanet 637, MedGen C0027832, MONDO:0007039, OMIM 101000. Disease mechanism: loss of function.

Allele frequency attached by ClinVar (database versions not stated): 1000 Genomes Project 30x 0.08698; 1000 Genomes Project 0.08826; TOPMed 0.08920; gnomAD 0.09370 and 0.09598; gnomAD exomes 0.09816.
gnomAD v4.1: 20,731 of 214,178 alleles (9.7%); highest among the groups gnomAD compares: South Asian, 17%; 1,248 homozygotes.

Submissions (2):

Illumina Laboratory Services, Illumina
Classification: Benign for Neurofibromatosis, type 2. Last evaluated: 2018-01-12. Review status: criteria provided, single submitter. Criteria: ICSL Variant Classification Criteria 13 December 2019. Collection method: clinical testing. Allele origin: germline.
Comment: This variant was observed in the ICSL laboratory as part of a predisposition screen in an ostensibly healthy population. It had not been previously curated by ICSL or reported in the Human Gene Mutation Database (HGMD: prior to June 1st, 2018), and was therefore a candidate for classification through an automated scoring system. Utilizing variant allele frequency, disease prevalence and penetrance estimates, and inheritance mode, an automated score was calculated to assess if this variant is too frequent to cause the disease. Based on the score and internal cut-off values, a variant classified as benign is not then subjected to further curation. The score for this variant resulted in a classification of benign for this disease.

Breakthrough Genomics
Classification: Benign. Review status: criteria provided, single submitter. Criteria: ACMG Guidelines, 2015. Collection method: not provided. Allele origin: germline. Inheritance: Autosomal dominant inheritance. Affected: yes.